The following is an entry in ClinVar:

NM_005502.4(ABCA1):c.*3254T>C

Genes: ABCA1 (ATP binding cassette subfamily A member 1; minus strand), NIPSNAP3B (nipsnap homolog 3B; plus strand). Cytogenetic location: 9q31.1.
Variant type: single nucleotide variant.
Coding change: c.*3254T>C on transcript NM_005502.4 (MANE Select); 3254 bases downstream of the stop codon, T replaced by C.
Molecular consequence: 3 prime UTR variant.
Genome position (GRCh38, 1-based): chr9:104,781,061, A>G on the plus strand (T>C on the coding strand, the complement: ABCA1 is on the minus strand). VCF-style: chr9-104781061-A-G. GRCh37 (hg19) VCF-style: chr9-107543342-A-G.
Identifiers: ClinVar variation 364320 (VCV000364320.5), dbSNP rs79840023, ClinGen allele CA10626106.

ClinVar aggregate classification (germline): Benign/Likely benign. Review status: criteria provided, single submitter (1 of 4 stars). 2 submissions from 1 submitter: Benign (1); Likely benign (1). Last evaluated 2018-01-13.

Conditions:
Tangier disease (TGD). Also called: HIGH DENSITY LIPOPROTEIN DEFICIENCY, TANGIER TYPE; HIGH DENSITY LIPOPROTEIN DEFICIENCY, TYPE 1; Cholesterol thesaurismosis. Identifiers: Orphanet 31150, MedGen C0039292, MONDO:0008783, OMIM 205400.
Hypoalphalipoproteinemia, primary, 1. Identifiers: Orphanet 425, MedGen C5231558, MONDO:0011393, OMIM 604091.

Allele frequency attached by ClinVar (database versions not stated): gnomAD 0.00002 and 0.00007; TOPMed 0.00006; 1000 Genomes Project 0.00080; 1000 Genomes Project 30x 0.00094.
gnomAD v4.1: 10 of 152,788 alleles (0.0065%); highest among the groups gnomAD compares: East Asian, 0.077%; no homozygotes.

Submissions (2):

Illumina Laboratory Services, Illumina
Classification: Likely benign for Tangier disease. Last evaluated: 2018-01-13. Review status: criteria provided, single submitter. Criteria: ICSL Variant Classification Criteria 13 December 2019. Collection method: clinical testing. Allele origin: germline.
Comment: This variant was observed in the ICSL laboratory as part of a predisposition screen in an ostensibly healthy population. It had not been previously curated by ICSL or reported in the Human Gene Mutation Database (HGMD: prior to June 1st, 2018), and was therefore a candidate for classification through an automated scoring system. Utilizing variant allele frequency, disease prevalence and penetrance estimates, and inheritance mode, an automated score was calculated to assess if this variant is too frequent to cause the disease. Based on the score and internal cut-off values, a variant classified as likely benign is not then subjected to further curation. The score for this variant resulted in a classification of likely benign for this disease.

Illumina Laboratory Services, Illumina
Classification: Benign for Hypoalphalipoproteinemia, primary, 1. Last evaluated: 2018-01-13. Review status: criteria provided, single submitter. Criteria: ICSL Variant Classification Criteria 13 December 2019. Collection method: clinical testing. Allele origin: germline.
Comment: This variant was observed in the ICSL laboratory as part of a predisposition screen in an ostensibly healthy population. It had not been previously curated by ICSL or reported in the Human Gene Mutation Database (HGMD: prior to June 1st, 2018), and was therefore a candidate for classification through an automated scoring system. Utilizing variant allele frequency, disease prevalence and penetrance estimates, and inheritance mode, an automated score was calculated to assess if this variant is too frequent to cause the disease. Based on the score and internal cut-off values, a variant classified as benign is not then subjected to further curation. The score for this variant resulted in a classification of benign for this disease.